The following is an entry in ClinVar:

ClinVar aggregate classification (germline): Likely benign. Review status: criteria provided, multiple submitters, no conflicts (2 of 4 stars). 2 submissions from 2 submitters: Likely benign (2). Last evaluated 2026-02-01.

Allele frequency attached by ClinVar (database versions not stated): gnomAD 0.00002; TOPMed 0.00006; ExAC 0.00010; gnomAD exomes 0.00013.
gnomAD v4.1: 34 of 1,563,212 alleles (0.0022%); highest among the groups gnomAD compares: Admixed American, 0.056%; no homozygotes.

Submissions (2):

CeGaT Center for Human Genetics Tuebingen
Classification: Likely benign. Last evaluated: 2026-02-01. Review status: criteria provided, single submitter. Criteria: CeGaT Center For Human Genetics Tuebingen Variant Classification Criteria Version 2. Collection method: clinical testing. Allele origin: germline. Affected: yes. Observed: 2 variant alleles.
Comment: LONP1: BP4, BP7

Labcorp Genetics (formerly Invitae), Labcorp
Classification: Likely benign. Last evaluated: 2026-01-19. Review status: criteria provided, single submitter. Criteria: Invitae Variant Classification Sherloc (09022015). Collection method: clinical testing. Allele origin: germline.

NM_004793.4(LONP1):c.192A>G (p.Gln64=)

Gene: LONP1 (lon peptidase 1, mitochondrial; minus strand). Cytogenetic location: 19p13.3.
Variant type: single nucleotide variant.
Coding change: c.192A>G on transcript NM_004793.4 (MANE Select); coding-DNA position 192, A replaced by G.
Protein change: p.Gln64=; no amino-acid change (glutamine 64 retained).
Molecular consequence: synonymous variant. On other transcripts: intron variant (2).
Genome position (GRCh38, 1-based): chr19:5,719,941, T>C on the plus strand (A>G on the coding strand, the complement: LONP1 is on the minus strand). VCF-style: chr19-5719941-T-C. GRCh37 (hg19) VCF-style: chr19-5719952-T-C.
Other names: c.-160+278A>G (NM_001276480.1); c.124+68A>G (NM_001276479.2).
Identifiers: ClinVar variation 1549127 (VCV001549127.16), dbSNP rs772514165, ClinGen allele CA9115215.